The following is an entry in ClinVar:

NM_001754.5(RUNX1):c.1170A>T (p.Gln390His)

Gene: RUNX1 (RUNX family transcription factor 1; minus strand). Cytogenetic location: 21q22.12.
Variant type: single nucleotide variant.
Coding change: c.1170A>T on transcript NM_001754.5 (MANE Select); coding-DNA position 1170, A replaced by T.
Protein change: p.Gln390His; replaces glutamine 390 with histidine.
Molecular consequence: missense variant.
Genome position (GRCh38, 1-based): chr21:34,792,408, T>A on the plus strand (A>T on the coding strand, the complement: RUNX1 is on the minus strand). VCF-style: chr21-34792408-T-A. GRCh37 (hg19) VCF-style: chr21-36164705-T-A.
Other names: c.1089A>T, p.Gln363His (NM_001001890.3); short protein forms Q363H, Q390H.
Identifiers: ClinVar variation 4825283 (VCV004825283.1).

ClinVar aggregate classification (germline): Uncertain significance (1 of 4 stars; one submission).

Conditions:
Inborn genetic diseases. Identifiers: MedGen C0950123, MeSH D030342.

Submission:

Ambry Genetics
Classification: Uncertain significance for Inborn genetic diseases. Last evaluated: 2026-01-24. Review status: criteria provided, single submitter. Criteria: Ambry Variant Classification Scheme 2023. Collection method: clinical testing. Allele origin: germline.
Comment: The p.Q390H variant (also known as c.1170A>T), located in coding exon 8 of the RUNX1 gene, results from an A to T substitution at nucleotide position 1170. The glutamine at codon 390 is replaced by histidine, an amino acid with highly similar properties. This amino acid position is conserved. In addition, this alteration is predicted to be tolerated by in silico analysis. Based on the available evidence, the clinical significance of this variant remains unclear.